The following is an entry in ClinVar:

NM_017934.7(PHIP):c.1441G>C (p.Val481Leu)

Gene: PHIP (PHIP subunit of CUL4-Ring ligase complex; minus strand). Cytogenetic location: 6q14.1.
Variant type: single nucleotide variant.
Coding change: c.1441G>C on transcript NM_017934.7 (MANE Select); coding-DNA position 1441, G replaced by C.
Protein change: p.Val481Leu; replaces valine 481 with leucine.
Molecular consequence: missense variant.
Genome position (GRCh38, 1-based): chr6:79,015,165, C>G on the plus strand (G>C on the coding strand, the complement: PHIP is on the minus strand). VCF-style: chr6-79015165-C-G. GRCh37 (hg19) VCF-style: chr6-79724882-C-G.
Other names: short protein forms V481L.
Identifiers: ClinVar variation 2797455 (VCV002797455.3), dbSNP rs1331129163, ClinGen allele CA364634198.

ClinVar aggregate classification (germline): Uncertain significance (1 of 4 stars; one submission).

gnomAD v4.1: 14 of 1,611,200 alleles (0.00087%); highest among the groups gnomAD compares: Non-Finnish European, 0.0011%; no homozygotes.

Submission:

Labcorp Genetics (formerly Invitae), Labcorp
Classification: Uncertain significance. Last evaluated: 2023-04-20. Review status: criteria provided, single submitter. Criteria: Invitae Variant Classification Sherloc (09022015). Collection method: clinical testing. Allele origin: germline.
Comment: This variant has not been reported in the literature in individuals affected with PHIP-related conditions. This variant is present in population databases (no rsID available, gnomAD 0.0009%). This sequence change replaces valine, which is neutral and non-polar, with leucine, which is neutral and non-polar, at codon 481 of the PHIP protein (p.Val481Leu). Advanced modeling of protein sequence and biophysical properties (such as structural, functional, and spatial information, amino acid conservation, physicochemical variation, residue mobility, and thermodynamic stability) performed at Invitae indicates that this missense variant is not expected to disrupt PHIP protein function. In summary, the available evidence is currently insufficient to determine the role of this variant in disease. Therefore, it has been classified as a Variant of Uncertain Significance.